The following is an entry in ClinVar:

NM_003098.3(SNTA1):c.1127T>C (p.Val376Ala)

Gene: SNTA1 (syntrophin alpha 1; minus strand). Cytogenetic location: 20q11.21.
Variant type: single nucleotide variant.
Coding change: c.1127T>C on transcript NM_003098.3 (MANE Select); coding-DNA position 1127, T replaced by C.
Protein change: p.Val376Ala; replaces valine 376 with alanine.
Molecular consequence: missense variant.
Genome position (GRCh38, 1-based): chr20:33,410,245, A>G on the plus strand (T>C on the coding strand, the complement: SNTA1 is on the minus strand). VCF-style: chr20-33410245-A-G. GRCh37 (hg19) VCF-style: chr20-31998051-A-G.
Other names: short protein forms V376A.
Identifiers: ClinVar variation 1677966 (VCV001677966.4), dbSNP rs1283111325, ClinGen allele CA408630704.
Genomic context (GRCh38, chr20:33,410,245, plus strand): 5'-AGCTGGCGGGTCCAGGCAGCCAGCTCCTGCGGTGACTCCACGCTGAACAGGTGAGTGTCC[A>G]CACCGTGACGCGTGCCCGTGCGCAGGGCAAAAGAGAGCTCTGCATCGTAGGGCACTGAGC-3'
Protein context (NP_003089.1, residues 366-386): FALRTGTRHG[Val376Ala]DTHLFSVESP

ClinVar aggregate classification (germline): Uncertain significance. Review status: criteria provided, multiple submitters, no conflicts (2 of 4 stars). 2 submissions from 2 submitters: Uncertain significance (2). Last evaluated 2023-09-12.

Conditions:
Long QT syndrome (LQTS). Identifiers: MedGen C0023976, MeSH D008133, MONDO:0002442. Disease mechanism: loss of function. Inheritance: Various modes of inheritance.

Submissions (2):

Labcorp Genetics (formerly Invitae), Labcorp
Classification: Uncertain significance for Long QT syndrome. Last evaluated: 2023-09-12. Review status: criteria provided, single submitter. Criteria: Invitae Variant Classification Sherloc (09022015). Collection method: clinical testing. Allele origin: germline.
Comment: This sequence change replaces valine, which is neutral and non-polar, with alanine, which is neutral and non-polar, at codon 376 of the SNTA1 protein (p.Val376Ala). This variant is not present in population databases (gnomAD no frequency). This variant has not been reported in the literature in individuals affected with SNTA1-related conditions. ClinVar contains an entry for this variant (Variation ID: 1677966). An algorithm developed to predict the effect of missense changes on protein structure and function (PolyPhen-2) suggests that this variant is likely to be disruptive. In summary, the available evidence is currently insufficient to determine the role of this variant in disease. Therefore, it has been classified as a Variant of Uncertain Significance.

AiLife Diagnostics
Classification: Uncertain significance. Last evaluated: 2022-02-22. Review status: criteria provided, single submitter. Criteria: ACMG Guidelines, 2015. Collection method: clinical testing. Allele origin: germline. Affected: yes. Observed: 1 variant allele.